The following is an entry in ClinVar:

NM_001177316.2(SLC34A3):c.919C>A (p.Leu307Met)

Gene: SLC34A3 (solute carrier family 34 member 3; plus strand). Cytogenetic location: 9q34.3.
Variant type: single nucleotide variant.
Coding change: c.919C>A on transcript NM_001177316.2 (MANE Select); coding-DNA position 919, C replaced by A.
Protein change: p.Leu307Met; replaces leucine 307 with methionine.
Molecular consequence: missense variant.
Genome position (GRCh38, 1-based): chr9:137,233,935, C>A. VCF-style: chr9-137233935-C-A. GRCh37 (hg19) VCF-style: chr9-140128387-C-A.
Other names: c.919C>A, p.Leu307Met (NM_001177317.2, NM_080877.3); short protein forms L307M.
Identifiers: ClinVar variation 964571 (VCV000964571.8), dbSNP rs202109348, ClinGen allele CA5364658.

ClinVar aggregate classification (germline): Conflicting classifications of pathogenicity. Review status: criteria provided, conflicting classifications (1 of 4 stars). 3 submissions from 3 submitters: Uncertain significance (2); Likely benign (1). Last evaluated 2026-03-23.

Conditions:
Autosomal recessive hypophosphatemic bone disease (HHRH). Also called: HYPERCALCIURIC RICKETS; Hypophosphatemic rickets with hypercalciuria. Identifiers: Orphanet 157215, MedGen C1853271, MONDO:0009431, OMIM 241530.

Allele frequency attached by ClinVar (database versions not stated): gnomAD exomes 0.00050; TOPMed 0.00054; gnomAD 0.00059 and 0.00064; ESP Exome Variant Server 0.00062; ExAC 0.00102.
gnomAD v4.1: 1,258 of 1,570,810 alleles (0.08%); highest among the groups gnomAD compares: Non-Finnish European, 0.1%; 1 homozygote.

Submissions (3):

Women's Health and Genetics/Laboratory Corporation of America, LabCorp
Classification: Uncertain significance. Last evaluated: 2026-03-23. Review status: criteria provided, single submitter. Criteria: LabCorp Variant Classification Summary - May 2015. Collection method: clinical testing. Allele origin: germline.
Comment: Variant summary: SLC34A3 c.919C>A (p.Leu307Met) results in a conservative amino acid change in the encoded protein sequence. Algorithms developed to predict the effect of missense changes on protein structure and function all suggest that this variant is likely to be tolerated. The variant allele was found at a frequency of 0.0005 in 200696 control chromosomes. This frequency is not significantly higher than estimated for disease-causing variants in SLC34A3, allowing no conclusion about variant significance. To our knowledge, no occurrence of c.919C>A in individuals affected with SLC34A3-related conditions and no experimental evidence demonstrating its impact on protein function have been reported. ClinVar contains an entry for this variant (Variation ID: 964571). Based on the evidence outlined above, the variant was classified as uncertain significance.

Fulgent Genetics
Classification: Likely benign for Autosomal recessive hypophosphatemic bone disease. Last evaluated: 2024-03-07. Review status: criteria provided, single submitter. Criteria: ACMG Guidelines, 2015. Collection method: clinical testing. Allele origin: germline.

Labcorp Genetics (formerly Invitae), Labcorp
Classification: Uncertain significance. Last evaluated: 2023-12-21. Review status: criteria provided, single submitter. Criteria: Invitae Variant Classification Sherloc (09022015). Collection method: clinical testing. Allele origin: germline.
Comment: This sequence change replaces leucine, which is neutral and non-polar, with methionine, which is neutral and non-polar, at codon 307 of the SLC34A3 protein (p.Leu307Met). This variant is present in population databases (rs202109348, gnomAD 0.1%), and has an allele count higher than expected for a pathogenic variant. This variant has not been reported in the literature in individuals affected with SLC34A3-related conditions. ClinVar contains an entry for this variant (Variation ID: 964571). An algorithm developed to predict the effect of missense changes on protein structure and function (PolyPhen-2) suggests that this variant¬†is likely to be tolerated. In summary, the available evidence is currently insufficient to determine the role of this variant in disease. Therefore, it has been classified as a Variant of Uncertain Significance.